The following is an entry in ClinVar:

NM_181486.4(TBX5):c.362+1G>T

Gene: TBX5 (T-box transcription factor 5; minus strand). Cytogenetic location: 12q24.21.
Variant type: single nucleotide variant.
Coding change: c.362+1G>T on transcript NM_181486.4 (MANE Select); the canonical splice donor site of the intron after coding-DNA position 362, G replaced by T.
Molecular consequence: splice donor variant.
Genome position (GRCh38, 1-based): chr12:114,399,512, C>A on the plus strand (G>T on the coding strand, the complement: TBX5 is on the minus strand). VCF-style: chr12-114399512-C-A. GRCh37 (hg19) VCF-style: chr12-114837317-C-A.
Other names: c.212+1G>T (NM_080717.4); c.362+1G>T (NM_000192.3).
Identifiers: ClinVar variation 4710042 (VCV004710042.1).

ClinVar aggregate classification (germline): Pathogenic (1 of 4 stars; one submission).

Conditions:
Aortic valve disease 2 (AOVD2). Identifiers: MedGen C3542024, MONDO:0013902, OMIM 614823.

Submission:

Labcorp Genetics (formerly Invitae), Labcorp
Classification: Pathogenic for Aortic valve disease 2. Last evaluated: 2025-03-18. Review status: criteria provided, single submitter. Criteria: Invitae Variant Classification Sherloc (09022015). Collection method: clinical testing. Allele origin: germline.
Comment: This sequence change affects a donor splice site in intron 4 of the TBX5 gene. It is expected to disrupt RNA splicing. Variants that disrupt the donor or acceptor splice site typically lead to a loss of protein function (PMID: 16199547), and loss-of-function variants in TBX5 are known to be pathogenic (PMID: 16183809, 16917909). This variant is not present in population databases (gnomAD no frequency). Disruption of this splice site has been observed in individual(s) with Holt-Oram syndrome (PMID: 16183809). Algorithms developed to predict the effect of sequence changes on RNA splicing suggest that this variant may disrupt the consensus splice site. For these reasons, this variant has been classified as Pathogenic.

Literature cited by the submitters: PubMed 16199547; PubMed 16183809; PubMed 16917909.